The following is an entry in ClinVar:

NM_020928.2(ZSWIM6):c.1862C>G (p.Ser621Trp)

Gene: ZSWIM6 (zinc finger SWIM-type containing 6; plus strand). Cytogenetic location: 5q12.1.
Variant type: single nucleotide variant.
Coding change: c.1862C>G on transcript NM_020928.2 (MANE Select); coding-DNA position 1862, C replaced by G.
Protein change: p.Ser621Trp; replaces serine 621 with tryptophan.
Molecular consequence: missense variant.
Genome position (GRCh38, 1-based): chr5:61,530,076, C>G. VCF-style: chr5-61530076-C-G. GRCh37 (hg19) VCF-style: chr5-60825903-C-G.
Other names: short protein forms S621W.
Identifiers: ClinVar variation 2163810 (VCV002163810.4), dbSNP rs534372787, ClinGen allele CA359944045.

ClinVar aggregate classification (germline): Uncertain significance (1 of 4 stars; one submission).

gnomAD v4.1: 14 of 1,551,282 alleles (0.0009%); highest among the groups gnomAD compares: Non-Finnish European, 0.0011%; no homozygotes.

Submission:

Labcorp Genetics (formerly Invitae), Labcorp
Classification: Uncertain significance. Last evaluated: 2025-02-07. Review status: criteria provided, single submitter. Criteria: Invitae Variant Classification Sherloc (09022015). Collection method: clinical testing. Allele origin: germline.
Comment: This sequence change replaces serine, which is neutral and polar, with tryptophan, which is neutral and slightly polar, at codon 621 of the ZSWIM6 protein (p.Ser621Trp). This variant is not present in population databases (gnomAD no frequency). This variant has not been reported in the literature in individuals affected with ZSWIM6-related conditions. ClinVar contains an entry for this variant (Variation ID: 2163810). Invitae Evidence Modeling of protein sequence and biophysical properties (such as structural, functional, and spatial information, amino acid conservation, physicochemical variation, residue mobility, and thermodynamic stability) indicates that this missense variant is not expected to disrupt ZSWIM6 protein function with a negative predictive value of 80%. In summary, the available evidence is currently insufficient to determine the role of this variant in disease. Therefore, it has been classified as a Variant of Uncertain Significance.